The following is an entry in ClinVar:

NM_000219.6(KCNE1):c.34T>G (p.Phe12Val)

Gene: KCNE1 (potassium voltage-gated channel subfamily E regulatory subunit 1; minus strand). Cytogenetic location: 21q22.12.
Variant type: single nucleotide variant.
Coding change: c.34T>G on transcript NM_000219.6 (MANE Select); coding-DNA position 34, T replaced by G.
Protein change: p.Phe12Val; replaces phenylalanine 12 with valine.
Molecular consequence: missense variant.
Genome position (GRCh38, 1-based): chr21:34,449,601, A>C on the plus strand (T>G on the coding strand, the complement: KCNE1 is on the minus strand). VCF-style: chr21-34449601-A-C. GRCh37 (hg19) VCF-style: chr21-35821899-A-C.
Other names: c.34T>G, p.Phe12Val (NM_001127668.4, NM_001127669.4, NM_001127670.4 and 4 more transcripts); short protein forms F12V.
Identifiers: ClinVar variation 3373792 (VCV003373792.2).
Genomic context (GRCh38, chr21:34,449,601, plus strand): 5'-GGGCCAGGCCCGACATGTTGCCACCCTGCTGAACTGTCTCCTGCCACAGCTTGGTCAGAA[A>C]GGGCGTCACCGCTGTGGTGTTAGACAGGATCATCCTGGGCATTAAGGTTCCACTGCTGCA-3'
Protein context (NP_000210.2, residues 2-22): ILSNTTAVTP[Phe12Val]LTKLWQETVQ

Conditions:
Long QT syndrome 5 (LQT5). Identifiers: Orphanet 101016, Orphanet 768, MedGen C1867904, MONDO:0013372, OMIM 613695.

Submission:

Roden Lab, Vanderbilt University Medical Center
No classification provided (evidence only). Condition: Long QT syndrome 5. Review status: no classification provided. Collection method: in vitro. Allele origin: not applicable. Functional consequence: Effect on ion channel function.
ClinVar note: "not provided" was previously submitted as the classification for the variant. However, the classification appeared to be based only on an observation of functional data so it was converted to no classification on 2025-07-30.